The following is an entry in ClinVar:

NM_000059.4(BRCA2):c.2739C>T (p.Asp913=)

Gene: BRCA2 (BRCA2 DNA repair associated; plus strand). Cytogenetic location: 13q13.1.
Variant type: single nucleotide variant.
Coding change: c.2739C>T on transcript NM_000059.4 (MANE Select); coding-DNA position 2739, C replaced by T.
Protein change: p.Asp913=; no amino-acid change (aspartic acid 913 retained).
Molecular consequence: synonymous variant.
Genome position (GRCh38, 1-based): chr13:32,337,094, C>T. VCF-style: chr13-32337094-C-T. GRCh37 (hg19) VCF-style: chr13-32911231-C-T.
Other names: 2967C>T.
Identifiers: ClinVar variation 125992 (VCV000125992.25), dbSNP rs276174829, ClinGen allele CA016192.
Genomic context (GRCh38, chr13:32,337,094, plus strand): 5'-AGTAGCTAATGAAAGGAATAATCTTGCTTTAGGAAATACTAAGGAACTTCATGAAACAGA[C>T]TTGACTTGTGTAAACGAACCCATTTTCAAGAACTCTACCATGGTTTTATATGGAGACACA-3'
Protein context (NP_000050.3, residues 903-923): LGNTKELHET[Asp913=]LTCVNEPIFK

ClinVar aggregate classification (germline): Likely benign. Review status: reviewed by expert panel (3 of 4 stars). 10 submissions from 10 submitters: Likely benign (1). 9 of the submissions do not count toward it. Last evaluated 2017-06-29.

Conditions:
BRCA2-related disorder. Also called: BRCA2-related condition; BRCA2-related disorders. Identifiers: MedGen CN239275.
Hereditary cancer-predisposing syndrome. Also called: Tumor predisposition; Hereditary Cancer Syndrome; Neoplastic Syndromes, Hereditary; Hereditary neoplastic syndrome. Identifiers: Orphanet 140162, MedGen C0027672, MeSH D009386, MONDO:0015356.
Hereditary breast ovarian cancer syndrome. Also called: Hereditary breast and ovarian cancer; Hereditary breast and/or ovarian cancer syndrome; BRCA1- and BRCA2-Associated Hereditary Breast and Ovarian Cancer; Hereditary breast and ovarian cancer syndrome; Hereditary breast and ovarian cancer syndrome (HBOC); Breast and ovarian cancer. Identifiers: Orphanet 145, MedGen C0677776, MeSH D061325, MONDO:0003582. Disease mechanism: loss of function.
Breast-ovarian cancer, familial, susceptibility to, 2 (BROVCA2). Also called: BRCA2 Hereditary Breast and Ovarian Cancer. Identifiers: Orphanet 145, MedGen C2675520, MONDO:0012933, OMIM 612555. Disease mechanism: loss of function.

Allele frequency attached by ClinVar (database versions not stated): gnomAD 0.00001; gnomAD exomes 0.00001; ExAC 0.00002; TOPMed 0.00002; ESP Exome Variant Server 0.00008.
gnomAD v4.1: 12 of 1,613,380 alleles (0.00074%); highest among the groups gnomAD compares: Non-Finnish European, 0.001%; no homozygotes.

Submissions (10):

Evidence-based Network for the Interpretation of Germline Mutant Alleles (ENIGMA)
Classification: Likely benign for Breast-ovarian cancer, familial, susceptibility to, 2. Last evaluated: 2017-06-29. Review status: reviewed by expert panel. Criteria: ENIGMA BRCA1/2 Classification Criteria (2017-06-29). Collection method: curation. Allele origin: germline.
Comment: Synonymous substitution variant, with low bioinformatic likelihood to result in a splicing aberration (Splicing prior probability 0.02).

Labcorp Genetics (formerly Invitae), Labcorp
Classification: Benign for Hereditary breast ovarian cancer syndrome. Last evaluated: 2026-01-28. Review status: criteria provided, single submitter. Criteria: Invitae Variant Classification Sherloc (09022015). Collection method: clinical testing. Allele origin: germline. Not counted in ClinVar's aggregate classification.

Quest Diagnostics Nichols Institute San Juan Capistrano
Classification: Likely benign. Last evaluated: 2025-08-15. Review status: criteria provided, single submitter. Criteria: Quest Diagnostics criteria. Collection method: clinical testing. Allele origin: unknown. Not counted in ClinVar's aggregate classification.

All of Us Research Program, National Institutes of Health
Classification: Likely benign for Breast-ovarian cancer, familial, susceptibility to, 2. Last evaluated: 2023-11-30. Review status: criteria provided, single submitter. Criteria: ACMG Guidelines, 2015. Collection method: clinical testing. Allele origin: germline. Inheritance: Autosomal dominant inheritance. Observed: 6 variant alleles, 6 heterozygotes. Not counted in ClinVar's aggregate classification.
Comment: This study involves interpretation of variants in research participants for the purpose of population health screening. Participant phenotype was not available at the time of variant classification. Additional details can be found in publication PMID: 35346344, PMCID: PMC8962531

Women's Health and Genetics/Laboratory Corporation of America, LabCorp
Classification: Likely benign. Last evaluated: 2019-11-08. Review status: criteria provided, single submitter. Criteria: LabCorp Variant Classification Summary - May 2015. Collection method: clinical testing. Allele origin: germline. Not counted in ClinVar's aggregate classification.

Color Diagnostics, LLC DBA Color Health
Classification: Likely benign for Hereditary cancer-predisposing syndrome. Last evaluated: 2016-10-31. Review status: criteria provided, single submitter. Criteria: ACMG Guidelines, 2015. Collection method: clinical testing. Allele origin: germline. Not counted in ClinVar's aggregate classification.

Ambry Genetics
Classification: Likely benign for Hereditary cancer-predisposing syndrome. Last evaluated: 2015-09-18. Review status: criteria provided, single submitter. Criteria: Ambry Variant Classification Scheme 2023. Collection method: clinical testing. Allele origin: germline. Not counted in ClinVar's aggregate classification.

GeneDx
Classification: Benign. Last evaluated: 2015-07-02. Review status: criteria provided, single submitter. Criteria: GeneDx Variant Classification (06012015). Collection method: clinical testing. Allele origin: germline. Affected: yes. Not counted in ClinVar's aggregate classification.
Comment: This variant is considered likely benign or benign based on one or more of the following criteria: it is a conservative change, it occurs at a poorly conserved position in the protein, it is predicted to be benign by multiple in silico algorithms, and/or has population frequency not consistent with disease.

PreventionGenetics, part of Exact Sciences
Classification: Likely benign for BRCA2-related condition. Last evaluated: 2024-04-18. Review status: no assertion criteria provided. Collection method: clinical testing. Allele origin: germline. Not counted in ClinVar's aggregate classification.
Comment: This variant is classified as likely benign based on ACMG/AMP sequence variant interpretation guidelines (Richards et al. 2015 PMID: 25741868, with internal and published modifications).

Breast Cancer Information Core (BIC) (BRCA2)
Classification: Benign for Breast-ovarian cancer, familial 2. Last evaluated: 2010-12-17. Review status: no assertion criteria provided. Collection method: clinical testing. Allele origin: germline. Affected: yes. Observed: 1 variant allele. Not counted in ClinVar's aggregate classification.

Literature cited by the submitters: PubMed 19471317 (cited by Quest Diagnostics Nichols Institute San Juan Capistrano and Women's Health and Genetics/Laboratory Corporation of America, LabCorp); PubMed 23929434 (cited by Women's Health and Genetics/Laboratory Corporation of America, LabCorp).